The following is an entry in ClinVar:

ClinVar aggregate classification (germline): Uncertain significance (1 of 4 stars; one submission).

Submission:

Women's Health and Genetics/Laboratory Corporation of America, LabCorp
Classification: Uncertain significance. Last evaluated: 2026-04-20. Review status: criteria provided, single submitter. Criteria: LabCorp Variant Classification Summary - May 2015. Collection method: clinical testing. Allele origin: germline.
Comment: Variant summary: The variant involves the deletion of exons 4-20 in the CLCNKA gene. A presumed nomenclature of c.(229+1_230-1)_(*393_?)del has been designated for the purposes of this classification. The exact breakpoint at the distal 3' end of this variant is unknown, therefore this deletion may extend downstream of the annotated region of the gene. As it encompasses the termination codon, it is predicted to escape nonsense mediated decay (NMD). Loss-of-function variants in this gene are known to be pathogenic. The variant was absent in 18180 control chromosomes. The available data on variant occurrences in the general population are insufficient to allow any conclusion about variant significance. To our knowledge, no occurrence of c.(229+1_230-1)_(*393_?)del in individuals affected with CLCNKA-related conditions and no experimental evidence demonstrating its impact on protein function have been reported. No submitters have cited clinical-significance assessments for this variant to ClinVar. Based on the evidence outlined above, the variant was classified as uncertain significance.

NC_000001.10:g.(16350424_16351257)_(16360546_?)del

Gene: CLCNKA (chloride voltage-gated channel Ka; plus strand). Cytogenetic location: 1p36.13.
Variant type: Deletion.
Identifiers: ClinVar variation 4848414 (VCV004848414.1).